The following is an entry in ClinVar:

ClinVar aggregate classification (germline): Likely pathogenic (1 of 4 stars; one submission).

Submission:

Labcorp Genetics (formerly Invitae), Labcorp
Classification: Likely pathogenic. Last evaluated: 2023-04-04. Review status: criteria provided, single submitter. Criteria: Invitae Variant Classification Sherloc (09022015). Collection method: clinical testing. Allele origin: germline.
Comment: In summary, the currently available evidence indicates that the variant is pathogenic, but additional data are needed to prove that conclusively. Therefore, this variant has been classified as Likely Pathogenic. Algorithms developed to predict the effect of sequence changes on RNA splicing suggest that this variant may disrupt the consensus splice site. This variant has not been reported in the literature in individuals affected with SLC4A11-related conditions. This variant is not present in population databases (gnomAD no frequency). This sequence change affects a donor splice site in intron 8 of the SLC4A11 gene. It is expected to disrupt RNA splicing. Variants that disrupt the donor or acceptor splice site typically lead to a loss of protein function (PMID: 16199547), and loss-of-function variants in SLC4A11 are known to be pathogenic (PMID: 17220209, 17679935).

Literature cited by the submitters: PubMed 16199547; PubMed 17220209; PubMed 17679935.

NM_001174089.2(SLC4A11):c.1042+1G>C

Gene: SLC4A11 (solute carrier family 4 member 11; minus strand). Cytogenetic location: 20p13.
Variant type: single nucleotide variant.
Coding change: c.1042+1G>C on transcript NM_001174089.2 (MANE Select); the canonical splice donor site of the intron after coding-DNA position 1042, G replaced by C.
Molecular consequence: splice donor variant.
Genome position (GRCh38, 1-based): chr20:3,231,148, C>G on the plus strand (G>C on the coding strand, the complement: SLC4A11 is on the minus strand). VCF-style: chr20-3231148-C-G. GRCh37 (hg19) VCF-style: chr20-3211794-C-G.
Other names: c.1090+1G>C (NM_032034.4); c.985+1G>C (NM_001400277.1, NM_001400278.1, NM_001400279.1); c.1042+1G>C (NM_001363745.2); c.1171+1G>C (NM_001400280.1, NM_001174090.2).
Identifiers: ClinVar variation 2851965 (VCV002851965.3), dbSNP rs2514563055, ClinGen allele CA408089353.